The following is an entry in ClinVar:

ClinVar aggregate classification (germline): Uncertain significance. Review status: criteria provided, multiple submitters, no conflicts (2 of 4 stars). 3 submissions from 3 submitters: Uncertain significance (3). Last evaluated 2024-08-11.

Conditions:
Nijmegen breakage syndrome-like disorder (NBSLD). Also called: MICROCEPHALY AND SPONTANEOUS CHROMOSOME INSTABILITY WITHOUT IMMUNODEFICIENCY; NBS-LIKE DISORDER; RAD50 DEFICIENCY. Identifiers: Orphanet 240760, MedGen C2751318, MONDO:0013118, OMIM 613078.
Hereditary cancer-predisposing syndrome. Also called: Neoplastic Syndromes, Hereditary; Tumor predisposition; Hereditary Cancer Syndrome; Hereditary neoplastic syndrome. Identifiers: Orphanet 140162, MedGen C0027672, MeSH D009386, MONDO:0015356.

Allele frequency attached by ClinVar (database versions not stated): gnomAD exomes below 0.00001 and 0.00001; gnomAD 0.00001; ExAC 0.00002; TOPMed 0.00002; ESP Exome Variant Server 0.00008.
gnomAD v4.1: 3 of 1,604,684 alleles (0.00019%); highest among the groups gnomAD compares: African/African-American, 0.004%; no homozygotes.

Submissions (3):

Ambry Genetics
Classification: Uncertain significance for Hereditary cancer-predisposing syndrome. Last evaluated: 2024-08-11. Review status: criteria provided, single submitter. Criteria: Ambry Variant Classification Scheme 2023. Collection method: clinical testing. Allele origin: germline.
Comment: The p.Q551E variant (also known as c.1651C>G), located in coding exon 11 of the RAD50 gene, results from a C to G substitution at nucleotide position 1651. The glutamine at codon 551 is replaced by glutamic acid, an amino acid with highly similar properties. This amino acid position is well conserved in available vertebrate species. In addition, this alteration is predicted to be tolerated by in silico analysis. Since supporting evidence is limited at this time, the clinical significance of this alteration remains unclear.

Baylor Genetics
Classification: Uncertain significance for Nijmegen breakage syndrome-like disorder. Last evaluated: 2024-02-12. Review status: criteria provided, single submitter. Criteria: ACMG Guidelines, 2015. Collection method: clinical testing. Allele origin: unknown.

Labcorp Genetics (formerly Invitae), Labcorp
Classification: Uncertain significance for Hereditary cancer-predisposing syndrome. Last evaluated: 2023-09-27. Review status: criteria provided, single submitter. Criteria: Invitae Variant Classification Sherloc (09022015). Collection method: clinical testing. Allele origin: germline.
Comment: This sequence change replaces glutamine, which is neutral and polar, with glutamic acid, which is acidic and polar, at codon 551 of the RAD50 protein (p.Gln551Glu). This variant is present in population databases (rs138115129, gnomAD 0.02%). This variant has not been reported in the literature in individuals affected with RAD50-related conditions. ClinVar contains an entry for this variant (Variation ID: 484689). Advanced modeling of protein sequence and biophysical properties (such as structural, functional, and spatial information, amino acid conservation, physicochemical variation, residue mobility, and thermodynamic stability) performed at Invitae indicates that this missense variant is not expected to disrupt RAD50 protein function. In summary, the available evidence is currently insufficient to determine the role of this variant in disease. Therefore, it has been classified as a Variant of Uncertain Significance.

NM_005732.4(RAD50):c.1651C>G (p.Gln551Glu)

Gene: RAD50 (RAD50 double strand break repair protein; plus strand). Cytogenetic location: 5q31.1.
Variant type: single nucleotide variant.
Coding change: c.1651C>G on transcript NM_005732.4 (MANE Select); coding-DNA position 1651, C replaced by G.
Protein change: p.Gln551Glu; replaces glutamine 551 with glutamic acid.
Molecular consequence: missense variant.
Genome position (GRCh38, 1-based): chr5:132,591,892, C>G. VCF-style: chr5-132591892-C-G. GRCh37 (hg19) VCF-style: chr5-131927584-C-G.
Other names: short protein forms Q551E.
Identifiers: ClinVar variation 484689 (VCV000484689.17), dbSNP rs138115129, ClinGen allele CA3405228.